The following is an entry in ClinVar:

ClinVar aggregate classification (germline): Uncertain significance (1 of 4 stars; one submission).

Conditions:
Cardiovascular phenotype. Identifiers: MedGen CN230736.

gnomAD v4.1: 1 of 1,611,950 alleles (0.000062%); highest among the groups gnomAD compares: African/African-American, 0.0013%; no homozygotes.

Submission:

Ambry Genetics
Classification: Uncertain significance for Cardiovascular phenotype. Last evaluated: 2025-02-26. Review status: criteria provided, single submitter. Criteria: Ambry Variant Classification Scheme 2023. Collection method: clinical testing. Allele origin: germline.
Comment: The p.R1889S variant (also known as c.5665C>A), located in coding exon 44 of the CACNA1C gene, results from a C to A substitution at nucleotide position 5665. The arginine at codon 1889 is replaced by serine, an amino acid with dissimilar properties. This amino acid position is not well conserved in available vertebrate species. In addition, this alteration is predicted to be tolerated by in silico analysis. Since supporting evidence is limited at this time, the clinical significance of this alteration remains unclear.

NM_000719.7(CACNA1C):c.5665C>A (p.Arg1889Ser)

Genes: CACNA1C (calcium voltage-gated channel subunit alpha1 C; plus strand), CACNA1C-AS1 (CACNA1C antisense RNA 1; minus strand). Cytogenetic location: 12p13.33.
Variant type: single nucleotide variant.
Coding change: c.5665C>A on transcript NM_000719.7 (MANE Select); coding-DNA position 5665, C replaced by A.
Protein change: p.Arg1889Ser; replaces arginine 1889 with serine.
Molecular consequence: missense variant.
Genome position (GRCh38, 1-based): chr12:2,685,827, C>A. VCF-style: chr12-2685827-C-A. GRCh37 (hg19) VCF-style: chr12-2794993-C-A.
Other names: c.5809C>A, p.Arg1937Ser (NM_001129827.2); c.5788C>A, p.Arg1930Ser (NM_001129829.2); c.5770C>A, p.Arg1924Ser (NM_001129830.3, NM_001167624.3); c.5749C>A, p.Arg1917Ser (NM_001129831.2); c.5725C>A, p.Arg1909Ser (NM_001129832.2); c.5722C>A, p.Arg1908Ser (NM_001129833.2, NM_001129834.2, NM_001129835.2); c.5716C>A, p.Arg1906Ser (NM_001129836.2); c.5689C>A, p.Arg1897Ser (NM_001129837.2, NM_001129838.2); and 6 more; short protein forms R1878S, R1895S, R1908S, R1909S, R1949S, R1906S, R1897S, R1886S.
Identifiers: ClinVar variation 2452661 (VCV002452661.3), dbSNP rs185788586, ClinGen allele CA383382299.
Genomic context (GRCh38, chr12:2,685,827, plus strand): 5'-CTGACGCTCCCAGAGGAGGACAAGAGGGACATCCGGCAATCTCCGAAGAGGGGTTTCCTC[C>A]GCTCTGCCTCACTAGGTAAATGCACCGCTCGCTCTCTGGATGTGGTCGGCGGTTACTCCC-3'
Protein context (NP_000710.5, residues 1879-1899): IRQSPKRGFL[Arg1889Ser]SASLGRRASF